The following is an entry in ClinVar:

NC_000008.10:g.(?_124545411)_(125559374_?)dup

Genes: TATDN1 (TatD DNase domain containing 1; minus strand), TMEM65 (transmembrane protein 65; minus strand), TRMT12 (tRNA methyltransferase 12 homolog; plus strand), KLHL38 (kelch like family member 38; minus strand), NDUFB9 (NADH:ubiquinone oxidoreductase subunit B9; plus strand) and 5 more. Cytogenetic location: 8q24.13.
Variant type: Duplication.
Identifiers: ClinVar variation 2425276 (VCV002425276.4).

ClinVar aggregate classification (germline): Uncertain significance (1 of 4 stars; one submission).

Submission:

Labcorp Genetics (formerly Invitae), Labcorp
Classification: Uncertain significance. Last evaluated: 2022-02-28. Review status: criteria provided, single submitter. Criteria: Invitae Variant Classification Sherloc (09022015). Collection method: clinical testing. Allele origin: germline.
Comment: This variant has not been reported in the literature in individuals affected with NDUFB9-related conditions. In summary, the available evidence is currently insufficient to determine the role of this variant in disease. Therefore, it has been classified as a Variant of Uncertain Significance. Experimental studies and prediction algorithms are not available or were not evaluated, and the functional significance of this variant is currently unknown. This variant results in a copy number gain of the genomic region encompassing exon(s) 1-3 of the NDUFB9 gene. This region includes the initiator codon of the gene. This copy number gain extends beyond the assayed region for this gene and therefore may encompass additional genes. As the precise location of this event is unknown, it may be in tandem or it may be located elsewhere in the genome.